The following is an entry in ClinVar:

NM_001024630.4(RUNX2):c.190C>T (p.Gln64Ter)

Genes: RUNX2 (RUNX family transcription factor 2; plus strand), LOC109611589 (runt related transcription factor 2 polyalanine expansion region; plus strand). Cytogenetic location: 6p21.1.
Variant type: single nucleotide variant.
Coding change: c.190C>T on transcript NM_001024630.4 (MANE Select); coding-DNA position 190, C replaced by T.
Protein change: p.Gln64Ter; replaces glutamine 64 with a stop codon.
Molecular consequence: nonsense.
Genome position (GRCh38, 1-based): chr6:45,422,724, C>T. VCF-style: chr6-45422724-C-T. GRCh37 (hg19) VCF-style: chr6-45390461-C-T.
Other names: c.190C>T, p.Gln64Ter (NM_001015051.4); c.148C>T, p.Gln50Ter (NM_001278478.2, NM_001369405.1, NM_004348.3); short protein forms Q50*, Q64*.
Identifiers: ClinVar variation 2136397 (VCV002136397.4), dbSNP rs2548581818, ClinGen allele CA363957843.

ClinVar aggregate classification (germline): Pathogenic (1 of 4 stars; one submission).

Submission:

Labcorp Genetics (formerly Invitae), Labcorp
Classification: Pathogenic. Last evaluated: 2022-03-12. Review status: criteria provided, single submitter. Criteria: Invitae Variant Classification Sherloc (09022015). Collection method: clinical testing. Allele origin: germline.
Comment: For these reasons, this variant has been classified as Pathogenic. This premature translational stop signal has been observed in individual(s) with cleidocranial dysplasia (PMID: 11857736). This variant is not present in population databases (gnomAD no frequency). This sequence change creates a premature translational stop signal (p.Gln64*) in the RUNX2 gene. It is expected to result in an absent or disrupted protein product. Loss-of-function variants in RUNX2 are known to be pathogenic (PMID: 10521292, 11857736).

Literature cited by the submitters: PubMed 11857736; PubMed 10521292.